The following is an entry in ClinVar:

ClinVar aggregate classification (germline): Conflicting classifications of pathogenicity. Review status: criteria provided, conflicting classifications (1 of 4 stars). 2 submissions from 2 submitters: Uncertain significance (1); Benign (1). Last evaluated 2024-02-26.

Conditions:
Primary ciliary dyskinesia. Also called: Ciliary dyskinesia. Identifiers: Orphanet 244, MedGen C0008780, MONDO:0016575, HP:0012265.

Allele frequency attached by ClinVar (database versions not stated): TOPMed 0.00001; gnomAD exomes 0.00004; gnomAD 0.00005; ExAC 0.00012; 1000 Genomes Project 30x 0.00031; 1000 Genomes Project 0.00060.
gnomAD v4.1: 62 of 1,611,142 alleles (0.0038%); highest among the groups gnomAD compares: South Asian, 0.067%; no homozygotes.

Submissions (2):

Labcorp Genetics (formerly Invitae), Labcorp
Classification: Benign for Primary ciliary dyskinesia. Last evaluated: 2024-02-26. Review status: criteria provided, single submitter. Criteria: Invitae Variant Classification Sherloc (09022015). Collection method: clinical testing. Allele origin: germline.

Ambry Genetics
Classification: Uncertain significance for Primary ciliary dyskinesia. Last evaluated: 2024-01-22. Review status: criteria provided, single submitter. Criteria: Ambry Variant Classification Scheme 2023. Collection method: clinical testing. Allele origin: germline.
Comment: The p.L1507F variant (also known as c.4519C>T), located in coding exon 26 of the DNAH11 gene, results from a C to T substitution at nucleotide position 4519. The leucine at codon 1507 is replaced by phenylalanine, an amino acid with highly similar properties. This amino acid position is conserved. In addition, this alteration is predicted to be tolerated by in silico analysis. Based on the available evidence, the clinical significance of this alteration remains unclear.

NM_001277115.2(DNAH11):c.4519C>T (p.Leu1507Phe)

Gene: DNAH11 (dynein axonemal heavy chain 11; plus strand). Cytogenetic location: 7p15.3.
Variant type: single nucleotide variant.
Coding change: c.4519C>T on transcript NM_001277115.2 (MANE Select); coding-DNA position 4519, C replaced by T.
Protein change: p.Leu1507Phe; replaces leucine 1507 with phenylalanine.
Molecular consequence: missense variant.
Genome position (GRCh38, 1-based): chr7:21,635,889, C>T. VCF-style: chr7-21635889-C-T. GRCh37 (hg19) VCF-style: chr7-21675507-C-T.
Other names: c.4519C>T (NM_001277115.1); c.4534C>T, p.Leu1512Phe (NM_003777.3); short protein forms L1507F, L1512F.
Identifiers: ClinVar variation 2779272 (VCV002779272.4), dbSNP rs545466506, ClinGen allele CA4180084.